The following is an entry in ClinVar:

NM_033453.4(ITPA):c.264-1G>C

Gene: ITPA (inosine triphosphatase; plus strand). Cytogenetic location: 20p13.
Variant type: single nucleotide variant.
Coding change: c.264-1G>C on transcript NM_033453.4 (MANE Select); the canonical splice acceptor site of the intron before coding-DNA position 264, G replaced by C.
Molecular consequence: splice acceptor variant.
Genome position (GRCh38, 1-based): chr20:3,215,280, G>C. VCF-style: chr20-3215280-G-C. GRCh37 (hg19) VCF-style: chr20-3195926-G-C.
Other names: c.-74-1G>C (NM_001324237.2, NM_001324238.2, NM_001324236.2 and 1 more transcripts); c.264-1G>C (NM_001324240.2); c.141-1G>C (NM_001267623.2); c.213-1G>C (NM_181493.4).
Identifiers: ClinVar variation 940510 (VCV000940510.7), dbSNP rs781254071, ClinGen allele CA408078710.

ClinVar aggregate classification (germline): Pathogenic/Likely pathogenic. Review status: criteria provided, multiple submitters, no conflicts (2 of 4 stars). 2 submissions from 2 submitters: Pathogenic (1); Likely pathogenic (1). Last evaluated 2025-02-24.

Conditions:
ITPA-related disorder. Also called: ITPA-related condition.
Inosine triphosphatase deficiency. Also called: INOSINE TRIPHOSPHATE PYROPHOSPHOHYDROLASE DEFICIENCY. Identifiers: MedGen C0342800, MONDO:0013461, OMIM 613850.

Allele frequency attached by ClinVar (database versions not stated): gnomAD 0.00001.
gnomAD v4.1: 3 of 1,613,880 alleles (0.00019%); highest among the groups gnomAD compares: African/African-American, 0.0013%; no homozygotes.

Submissions (2):

PreventionGenetics, part of Exact Sciences
Classification: Likely pathogenic for ITPA-related condition. Last evaluated: 2025-02-24. Review status: criteria provided, single submitter. Criteria: ACMG Guidelines, 2015. Collection method: clinical testing. Allele origin: germline.
Comment: The ITPA c.264-1G>C variant is predicted to disrupt the AG splice acceptor site and interfere with normal splicing. To our knowledge, this variant has not been reported in the literature. This variant is reported in 0.0065% of alleles in individuals of European (Non-Finnish) descent in gnomAD. Variants that disrupt the consensus splice acceptor site in ITPA are expected to be pathogenic. This variant is interpreted as likely pathogenic.

Labcorp Genetics (formerly Invitae), Labcorp
Classification: Pathogenic for Inosine triphosphatase deficiency. Last evaluated: 2024-02-16. Review status: criteria provided, single submitter. Criteria: Invitae Variant Classification Sherloc (09022015). Collection method: clinical testing. Allele origin: germline.
Comment: This sequence change affects an acceptor splice site in intron 4 of the ITPA gene. It is expected to disrupt RNA splicing. Variants that disrupt the donor or acceptor splice site typically lead to a loss of protein function (PMID: 16199547), and loss-of-function variants in ITPA are known to be pathogenic (PMID: 26224535). This variant is present in population databases (no rsID available, gnomAD 0.007%). Disruption of this splice site has been observed in individuals with ITPA-related conditions (PMID: 32405030, 34989426). ClinVar contains an entry for this variant (Variation ID: 940510). Algorithms developed to predict the effect of sequence changes on RNA splicing suggest that this variant may disrupt the consensus splice site. For these reasons, this variant has been classified as Pathogenic.

Literature cited by the submitters: PubMed 16199547 (cited by Labcorp Genetics (formerly Invitae), Labcorp); PubMed 26224535 (cited by Labcorp Genetics (formerly Invitae), Labcorp); PubMed 32405030 (cited by Labcorp Genetics (formerly Invitae), Labcorp); PubMed 34989426 (cited by Labcorp Genetics (formerly Invitae), Labcorp).